The following is an entry in ClinVar:

ClinVar aggregate classification (germline): Uncertain significance (1 of 4 stars; one submission).

Conditions:
Familial cold autoinflammatory syndrome 3 (FCAS3). Also called: ANTIBODY DEFICIENCY AND IMMUNE DYSREGULATION, PLCG2-ASSOCIATED; FAMILIAL ATYPICAL COLD URTICARIA. Identifiers: Orphanet 300359, MedGen C3280914, MONDO:0013766, OMIM 614468.

Allele frequency attached by ClinVar (database versions not stated): gnomAD exomes 0.00001; ExAC 0.00003.
gnomAD v4.1: 14 of 1,614,060 alleles (0.00087%); highest among the groups gnomAD compares: East Asian, 0.022%; no homozygotes.

Submission:

Labcorp Genetics (formerly Invitae), Labcorp
Classification: Uncertain significance for Familial cold autoinflammatory syndrome 3. Last evaluated: 2025-03-10. Review status: criteria provided, single submitter. Criteria: Invitae Variant Classification Sherloc (09022015). Collection method: clinical testing. Allele origin: germline.
Comment: This sequence change replaces histidine, which is basic and polar, with glutamine, which is neutral and polar, at codon 130 of the PLCG2 protein (p.His130Gln). This variant is present in population databases (rs761450187, gnomAD 0.02%). This variant has not been reported in the literature in individuals affected with PLCG2-related conditions. ClinVar contains an entry for this variant (Variation ID: 1973445). An algorithm developed to predict the effect of missense changes on protein structure and function (PolyPhen-2) suggests that this variant is likely to be tolerated. In summary, the available evidence is currently insufficient to determine the role of this variant in disease. Therefore, it has been classified as a Variant of Uncertain Significance.

NM_002661.5(PLCG2):c.390C>G (p.His130Gln)

Gene: PLCG2 (phospholipase C gamma 2; plus strand). Cytogenetic location: 16q23.3.
Variant type: single nucleotide variant.
Coding change: c.390C>G on transcript NM_002661.5 (MANE Select); coding-DNA position 390, C replaced by G.
Protein change: p.His130Gln; replaces histidine 130 with glutamine.
Molecular consequence: missense variant.
Genome position (GRCh38, 1-based): chr16:81,858,315, C>G. VCF-style: chr16-81858315-C-G. GRCh37 (hg19) VCF-style: chr16-81891920-C-G.
Other names: short protein forms H130Q.
Identifiers: ClinVar variation 1973445 (VCV001973445.5), dbSNP rs761450187, ClinGen allele CA8193163.